The following is an entry in ClinVar:

ClinVar aggregate classification (germline): Uncertain significance. Review status: criteria provided, multiple submitters, no conflicts (2 of 4 stars). 2 submissions from 2 submitters: Uncertain significance (2). Last evaluated 2022-12-27.

Conditions:
Autosomal dominant limb-girdle muscular dystrophy type 1D (DNAJB6) (LGMDD1). Also called: MUSCULAR DYSTROPHY, LIMB-GIRDLE, TYPE 1D; MUSCULAR DYSTROPHY, AUTOSOMAL DOMINANT, WITH RIMMED VACUOLES; Autosomal dominant limb-girdle muscular dystrophy type 1D; Muscular dystrophy, limb-girdle, autosomal dominant 1. Identifiers: Orphanet 34516, MedGen C4721885, MONDO:0021018, OMIM 603511.

Allele frequency attached by ClinVar (database versions not stated): gnomAD exomes below 0.00001; gnomAD 0.00001; TOPMed 0.00001; 1000 Genomes Project 0.00020; 1000 Genomes Project 30x 0.00031.
gnomAD v4.1: 5 of 1,533,770 alleles (0.00033%); highest among the groups gnomAD compares: African/African-American, 0.0027%; no homozygotes.

Submissions (2):

Labcorp Genetics (formerly Invitae), Labcorp
Classification: Uncertain significance for Autosomal dominant limb-girdle muscular dystrophy type 1D (DNAJB6). Last evaluated: 2022-12-27. Review status: criteria provided, single submitter. Criteria: Invitae Variant Classification Sherloc (09022015). Collection method: clinical testing. Allele origin: germline.
Comment: In summary, the available evidence is currently insufficient to determine the role of this variant in disease. Therefore, it has been classified as a Variant of Uncertain Significance. Advanced modeling of protein sequence and biophysical properties (such as structural, functional, and spatial information, amino acid conservation, physicochemical variation, residue mobility, and thermodynamic stability) performed at Invitae indicates that this missense variant is not expected to disrupt DNAJB6 protein function. This variant has not been reported in the literature in individuals affected with DNAJB6-related conditions. This variant is not present in population databases (gnomAD no frequency). This sequence change replaces proline, which is neutral and non-polar, with leucine, which is neutral and non-polar, at codon 260 of the DNAJB6 protein (p.Pro260Leu).

Revvity Omics, Revvity
Classification: Uncertain significance for Autosomal dominant limb-girdle muscular dystrophy type 1D (DNAJB6). Last evaluated: 2022-12-21. Review status: criteria provided, single submitter. Criteria: ACMG Guidelines, 2015. Collection method: clinical testing. Allele origin: germline.

NM_058246.4(DNAJB6):c.779C>T (p.Pro260Leu)

Gene: DNAJB6 (DnaJ heat shock protein family (Hsp40) member B6; plus strand). Cytogenetic location: 7q36.3.
Variant type: single nucleotide variant.
Coding change: c.779C>T on transcript NM_058246.4 (MANE Select); coding-DNA position 779, C replaced by T.
Protein change: p.Pro260Leu; replaces proline 260 with leucine.
Molecular consequence: missense variant.
Genome position (GRCh38, 1-based): chr7:157,409,882, C>T. VCF-style: chr7-157409882-C-T. GRCh37 (hg19) VCF-style: chr7-157202576-C-T.
Other names: c.434C>T, p.Pro145Leu (NM_001363676.1); short protein forms P145L, P260L.
Identifiers: ClinVar variation 2440932 (VCV002440932.6), dbSNP rs539562536, ClinGen allele CA169899164.